The following is an entry in ClinVar:

ClinVar aggregate classification (germline): Uncertain significance. Review status: criteria provided, multiple submitters, no conflicts (2 of 4 stars). 2 submissions from 2 submitters: Uncertain significance (2). Last evaluated 2024-11-15.

Conditions:
Inborn genetic diseases. Identifiers: MedGen C0950123, MeSH D030342.

Allele frequency attached by ClinVar (database versions not stated): gnomAD 0.00001; TOPMed 0.00002.
gnomAD v4.1: 7 of 1,613,686 alleles (0.00043%); highest among the groups gnomAD compares: Non-Finnish European, 0.00042%; no homozygotes.

Submissions (2):

Ambry Genetics
Classification: Uncertain significance for Inborn genetic diseases. Last evaluated: 2024-11-15. Review status: criteria provided, single submitter. Criteria: Ambry Variant Classification Scheme 2023. Collection method: clinical testing. Allele origin: germline.

Labcorp Genetics (formerly Invitae), Labcorp
Classification: Uncertain significance. Last evaluated: 2023-03-21. Review status: criteria provided, single submitter. Criteria: Invitae Variant Classification Sherloc (09022015). Collection method: clinical testing. Allele origin: germline.
Comment: This sequence change replaces arginine, which is basic and polar, with tryptophan, which is neutral and slightly polar, at codon 64 of the CSF2RB protein (p.Arg64Trp). This variant is present in population databases (rs774534225, gnomAD 0.002%). This variant has not been reported in the literature in individuals affected with CSF2RB-related conditions. Advanced modeling of protein sequence and biophysical properties (such as structural, functional, and spatial information, amino acid conservation, physicochemical variation, residue mobility, and thermodynamic stability) performed at Invitae indicates that this missense variant is not expected to disrupt CSF2RB protein function. In summary, the available evidence is currently insufficient to determine the role of this variant in disease. Therefore, it has been classified as a Variant of Uncertain Significance.

NM_000395.3(CSF2RB):c.190C>T (p.Arg64Trp)

Gene: CSF2RB (colony stimulating factor 2 receptor subunit beta; plus strand). Cytogenetic location: 22q12.3.
Variant type: single nucleotide variant.
Coding change: c.190C>T on transcript NM_000395.3 (MANE Select); coding-DNA position 190, C replaced by T.
Protein change: p.Arg64Trp; replaces arginine 64 with tryptophan.
Molecular consequence: missense variant.
Genome position (GRCh38, 1-based): chr22:36,923,357, C>T. VCF-style: chr22-36923357-C-T. GRCh37 (hg19) VCF-style: chr22-37319399-C-T.
Other names: c.190C>T (NM_000395.2); c.190C>T, p.Arg64Trp (NM_001410827.1); short protein forms R64W.
Identifiers: ClinVar variation 2885260 (VCV002885260.4), dbSNP rs774534225, ClinGen allele CA10213379.
Genomic context (GRCh38, chr22:36,923,357, plus strand): 5'-ACCTGCAGGTGGGCAGACACCCAGGATGCCCAGCGGCTCGTCAACGTGACCCTCATTCGC[C>T]GGGTGAATGAGTGAGTGATGCTGGGGGCAGGGGCCACGGGCAGGGGCTACGACGTCCCCT-3'
Protein context (NP_000386.1, residues 54-74): QRLVNVTLIR[Arg64Trp]VNEDLLEPVS